The following is an entry in ClinVar:

ClinVar aggregate classification (germline): Uncertain significance (1 of 4 stars; one submission).

Allele frequency attached by ClinVar (database versions not stated): gnomAD exomes below 0.00001.
gnomAD v4.1: 3 of 1,613,840 alleles (0.00019%); highest among the groups gnomAD compares: Non-Finnish European, 0.00025%; no homozygotes.

Submission:

CeGaT Center for Human Genetics Tuebingen
Classification: Uncertain significance. Last evaluated: 2024-05-01. Review status: criteria provided, single submitter. Criteria: CeGaT Center For Human Genetics Tuebingen Variant Classification Criteria Version 2. Collection method: clinical testing. Allele origin: germline. Affected: yes. Observed: 1 variant allele.
Comment: MBD5: PM2

NM_001378120.1(MBD5):c.2195G>A (p.Cys732Tyr)

Gene: MBD5 (methyl-CpG binding domain protein 5; plus strand). Cytogenetic location: 2q23.1.
Variant type: single nucleotide variant.
Coding change: c.2195G>A on transcript NM_001378120.1 (MANE Select); coding-DNA position 2195, G replaced by A.
Protein change: p.Cys732Tyr; replaces cysteine 732 with tyrosine.
Molecular consequence: missense variant.
Genome position (GRCh38, 1-based): chr2:148,470,138, G>A. VCF-style: chr2-148470138-G-A. GRCh37 (hg19) VCF-style: chr2-149227707-G-A.
Other names: c.2195G>A, p.Cys732Tyr (NM_018328.5); short protein forms C732Y.
Identifiers: ClinVar variation 3239475 (VCV003239475.19), dbSNP rs2469874669.